The following is an entry in ClinVar:

ClinVar aggregate classification (germline): Likely benign (0 of 4 stars; one submission).

Conditions:
BSN-related disorder. Also called: BSN-related condition.

Submission:

PreventionGenetics, part of Exact Sciences
Classification: Likely benign for BSN-related condition. Last evaluated: 2023-04-10. Review status: no assertion criteria provided. Collection method: clinical testing. Allele origin: germline.
Comment: This variant is classified as likely benign based on ACMG/AMP sequence variant interpretation guidelines (Richards et al. 2015 PMID: 25741868, with internal and published modifications).

NM_003458.4(BSN):c.79CCCGGC[4] (p.Gly32_Ala33insProGly)

Genes: BSN (bassoon presynaptic cytomatrix protein; plus strand), LOC129936761 (ATAC-STARR-seq lymphoblastoid silent region 14369; plus strand). Cytogenetic location: 3p21.31.
Variant type: Microsatellite.
Coding change: c.79CCCGGC[4] on transcript NM_003458.4 (MANE Select); four copies in a row of the 6-base unit CCCGGC starting at c.79; the reference has three copies in a row; one copy, 6 bases duplicated.
Protein change: p.Gly32_Ala33insProGly.
Genome position (GRCh38, 1-based): chr3:49,554,693-49,554,698, CCCGGC duplicated; duplicating any 6 consecutive bases within chr3:49,554,678-49,554,698 gives the same sequence; the position shown is the placement nearest the transcript's 3' end. VCF-style (leftmost placement, unchanged base first): chr3-49554677-G-GGGCCCC. GRCh37 (hg19) VCF-style: chr3-49592110-G-GGGCCCC.
Identifiers: ClinVar variation 3032746 (VCV003032746.2), dbSNP rs1204153339, ClinGen allele CA543049778.
Genomic context (GRCh38, chr3:49,554,677, plus strand): 5'-CAGCCTGGAGGGCGGCGCTGGCGACGGGCCGCTGCCGCCCGGCGGCGCCGGCCCCGGCCC[G>GGGCCCC]GGCCCCGGCCCCGGCCCCGGCGCAGGAAAGCCGCCTTCAGCACCGGCCGGTGGCGGACAG-3'